The following is an entry in ClinVar:

ClinVar aggregate classification (germline): Conflicting classifications of pathogenicity. Review status: criteria provided, conflicting classifications (1 of 4 stars). 4 submissions from 4 submitters: Pathogenic (1); Likely pathogenic (1); Uncertain significance (2). Last evaluated 2025-09-03.

Conditions:
Arterial tortuosity syndrome (ATORS). Identifiers: Orphanet 3342, MedGen C1859726, MONDO:0008818, OMIM 208050.
Familial aortopathy. Identifiers: MedGen CN078214.
Familial thoracic aortic aneurysm and aortic dissection (TAAD). Also called: Thoracic aortic aneurysms and dissections. Identifiers: Orphanet 91387, MedGen C4707243, MONDO:0019625.

Allele frequency attached by ClinVar (database versions not stated): gnomAD 0.00001.
gnomAD v4.1: 7 of 1,613,722 alleles (0.00043%); highest among the groups gnomAD compares: South Asian, 0.0011%; no homozygotes.

Submissions (4):

Ambry Genetics
Classification: Uncertain significance for Familial thoracic aortic aneurysm and aortic dissection. Last evaluated: 2025-09-03. Review status: criteria provided, single submitter. Criteria: Ambry Variant Classification Scheme 2023. Collection method: clinical testing. Allele origin: germline.
Comment: The p.G489R variant (also known as c.1465G>C), located in coding exon 4 of the SLC2A10 gene, results from a G to C substitution at nucleotide position 1465. The glycine at codon 489 is replaced by arginine, an amino acid with dissimilar properties. This variant has been identified in the homozygous state and/or in conjunction with other SLC2A10 variant(s) in individual(s), but clinical details were limited (Ritelli M et al. BMC Med Genet, 2014 Nov;15:122; Beyens A et al. Genet Med, 2018 Oct;20:1236-1245). This amino acid position is not well conserved in available vertebrate species. In addition, the in silico prediction for this alteration is inconclusive. Based on the available evidence, the clinical significance of this variant remains unclear.

Labcorp Genetics (formerly Invitae), Labcorp
Classification: Pathogenic for Arterial tortuosity syndrome. Last evaluated: 2025-08-25. Review status: criteria provided, single submitter. Criteria: Invitae Variant Classification Sherloc (09022015). Collection method: clinical testing. Allele origin: germline.
Comment: This sequence change replaces glycine, which is neutral and non-polar, with arginine, which is basic and polar, at codon 489 of the SLC2A10 protein (p.Gly489Arg). This variant is present in population databases (rs201268555, gnomAD 0.002%). This missense change has been observed in individuals with arterial tortuosity syndrome (PMID: 25373504, 29323665). It has also been observed to segregate with disease in related individuals. ClinVar contains an entry for this variant (Variation ID: 933623). Invitae Evidence Modeling of protein sequence and biophysical properties (such as structural, functional, and spatial information, amino acid conservation, physicochemical variation, residue mobility, and thermodynamic stability) indicates that this missense variant is expected to disrupt SLC2A10 protein function with a positive predictive value of 95%. For these reasons, this variant has been classified as Pathogenic.

GeneDx
Classification: Uncertain significance. Last evaluated: 2025-01-27. Review status: criteria provided, single submitter. Criteria: GeneDx Variant Classification Process June 2021. Collection method: clinical testing. Allele origin: germline. Affected: yes.
Comment: Not observed at significant frequency in large population cohorts (gnomAD); In silico analysis indicates that this missense variant does not alter protein structure/function; This variant is associated with the following publications: (PMID: 29323665, 25373504)

Women's Health and Genetics/Laboratory Corporation of America, LabCorp
Classification: Likely pathogenic for Familial aortopathy. Last evaluated: 2024-08-01. Review status: criteria provided, single submitter. Criteria: LabCorp Variant Classification Summary - May 2015. Collection method: clinical testing. Allele origin: germline.
Comment: Variant summary: SLC2A10 c.1465G>C (p.Gly489Arg) results in a non-conservative amino acid change located in the Major facilitator superfamily domain (IPR020846) of the encoded protein sequence. Five of five in-silico tools predict a damaging effect of the variant on protein function. The variant allele was found at a frequency of 8e-06 in 251474 control chromosomes. c.1465G>C has been reported in the literature in individuals affected with Aortopathy (Beyens_2018, Ritelli_2014). These data indicate that the variant is likely to be associated with disease. To our knowledge, no experimental evidence demonstrating an impact on protein function has been reported. The following publications have been ascertained in the context of this evaluation (PMID: 29323665, 25373504). ClinVar contains an entry for this variant (Variation ID: 933623). Based on the evidence outlined above, the variant was classified as likely pathogenic.

Literature cited by the submitters: PubMed 25373504 (cited by 3 submitters); PubMed 29323665 (cited by 3 submitters).

NM_030777.4(SLC2A10):c.1465G>C (p.Gly489Arg)

Gene: SLC2A10 (solute carrier family 2 member 10; plus strand). Cytogenetic location: 20q13.12.
Variant type: single nucleotide variant.
Coding change: c.1465G>C on transcript NM_030777.4 (MANE Select); coding-DNA position 1465, G replaced by C.
Protein change: p.Gly489Arg; replaces glycine 489 with arginine.
Molecular consequence: missense variant.
Genome position (GRCh38, 1-based): chr20:46,729,406, G>C. VCF-style: chr20-46729406-G-C. GRCh37 (hg19) VCF-style: chr20-45358045-G-C.
Other names: short protein forms G489R.
Identifiers: ClinVar variation 933623 (VCV000933623.13), dbSNP rs201268555, ClinGen allele CA9892228.